The following is an entry in ClinVar:

ClinVar aggregate classification (germline): Uncertain significance (1 of 4 stars; one submission).

Conditions:
Joubert syndrome. Also called: CEREBELLOPARENCHYMAL DISORDER IV; JOUBERT-BOLTSHAUSER SYNDROME; Familial aplasia of the vermis. Identifiers: Orphanet 475, MedGen C5979921, MONDO:0018772.

Allele frequency attached by ClinVar (database versions not stated): gnomAD exomes below 0.00001; ExAC 0.00001; gnomAD 0.00001; 1000 Genomes Project 0.00020; 1000 Genomes Project 30x 0.00031.
gnomAD v4.1: 2 of 1,613,504 alleles (0.00012%); highest among the groups gnomAD compares: Admixed American, 0.0033%; no homozygotes.

Submission:

Labcorp Genetics (formerly Invitae), Labcorp
Classification: Uncertain significance for Joubert syndrome. Last evaluated: 2022-07-12. Review status: criteria provided, single submitter. Criteria: Invitae Variant Classification Sherloc (09022015). Collection method: clinical testing. Allele origin: germline.
Comment: ClinVar contains an entry for this variant (Variation ID: 1428353). This missense change has been observed in individual(s) with retinitis pigmentosa (Invitae). This variant is present in population databases (rs199875003, gnomAD 0.003%). This sequence change replaces aspartic acid, which is acidic and polar, with glutamic acid, which is acidic and polar, at codon 610 of the INPP5E protein (p.Asp610Glu). Advanced modeling of protein sequence and biophysical properties (such as structural, functional, and spatial information, amino acid conservation, physicochemical variation, residue mobility, and thermodynamic stability) performed at Invitae indicates that this missense variant is not expected to disrupt INPP5E protein function. In summary, the available evidence is currently insufficient to determine the role of this variant in disease. Therefore, it has been classified as a Variant of Uncertain Significance.

NM_019892.6(INPP5E):c.1830T>A (p.Asp610Glu)

Gene: INPP5E (inositol polyphosphate-5-phosphatase E; minus strand). Cytogenetic location: 9q34.3.
Variant type: single nucleotide variant.
Coding change: c.1830T>A on transcript NM_019892.6 (MANE Select); coding-DNA position 1830, T replaced by A.
Protein change: p.Asp610Glu; replaces aspartic acid 610 with glutamic acid.
Molecular consequence: missense variant.
Genome position (GRCh38, 1-based): chr9:136,429,780, A>T on the plus strand (T>A on the coding strand, the complement: INPP5E is on the minus strand). VCF-style: chr9-136429780-A-T. GRCh37 (hg19) VCF-style: chr9-139324232-A-T.
Other names: c.1827T>A, p.Asp609Glu (NM_001318502.2); short protein forms D610E, D609E.
Identifiers: ClinVar variation 1428353 (VCV001428353.6), dbSNP rs199875003, ClinGen allele CA5336633.